The following is an entry in ClinVar:

ClinVar aggregate classification (germline): Uncertain significance. Review status: criteria provided, multiple submitters, no conflicts (2 of 4 stars). 2 submissions from 2 submitters: Uncertain significance (2). Last evaluated 2023-11-10.

Conditions:
Ullrich congenital muscular dystrophy 2 (UCMD2). Identifiers: Orphanet 75840, MedGen C4225314, MONDO:0014654, OMIM 616470.
Bethlem myopathy 2 (BTHLM2). Identifiers: Orphanet 536516, Orphanet 610, MedGen C4225313, MONDO:0034022, OMIM 616471.

Submissions (2):

GeneDx
Classification: Uncertain significance. Last evaluated: 2023-11-10. Review status: criteria provided, single submitter. Criteria: GeneDx Variant Classification Process June 2021. Collection method: clinical testing. Allele origin: germline. Affected: yes.
Comment: Not observed at significant frequency in large population cohorts (gnomAD); In silico analysis supports that this missense variant does not alter protein structure/function; Has not been previously published as pathogenic or benign to our knowledge

Labcorp Genetics (formerly Invitae), Labcorp
Classification: Uncertain significance for Bethlem myopathy 2; Ullrich congenital muscular dystrophy 2. Last evaluated: 2023-09-17. Review status: criteria provided, single submitter. Criteria: Invitae Variant Classification Sherloc (09022015). Collection method: clinical testing. Allele origin: germline.
Comment: Advanced modeling of protein sequence and biophysical properties (such as structural, functional, and spatial information, amino acid conservation, physicochemical variation, residue mobility, and thermodynamic stability) performed at Invitae indicates that this missense variant is not expected to disrupt COL12A1 protein function. ClinVar contains an entry for this variant (Variation ID: 951490). This variant has not been reported in the literature in individuals affected with COL12A1-related conditions. In summary, the available evidence is currently insufficient to determine the role of this variant in disease. Therefore, it has been classified as a Variant of Uncertain Significance. This sequence change replaces aspartic acid, which is acidic and polar, with asparagine, which is neutral and polar, at codon 1351 of the COL12A1 protein (p.Asp1351Asn). This variant is not present in population databases (gnomAD no frequency).

NM_004370.6(COL12A1):c.4051G>A (p.Asp1351Asn)

Gene: COL12A1 (collagen type XII alpha 1 chain; minus strand). Cytogenetic location: 6q13.
Variant type: single nucleotide variant.
Coding change: c.4051G>A on transcript NM_004370.6 (MANE Select); coding-DNA position 4051, G replaced by A.
Protein change: p.Asp1351Asn; replaces aspartic acid 1351 with asparagine.
Molecular consequence: missense variant.
Genome position (GRCh38, 1-based): chr6:75,151,237, C>T on the plus strand (G>A on the coding strand, the complement: COL12A1 is on the minus strand). VCF-style: chr6-75151237-C-T. GRCh37 (hg19) VCF-style: chr6-75860953-C-T.
Other names: c.559G>A, p.Asp187Asn (NM_080645.3); short protein forms D1351N, D187N.
Identifiers: ClinVar variation 951490 (VCV000951490.9), dbSNP rs1767469659, ClinGen allele CA364747214.
Genomic context (GRCh38, chr6:75,151,237, plus strand): 5'-GATCATCCACTATCCTGGAGAGTGACTCAAAATCTGCCACATTGTATGCATGGGTATCAT[C>T]AGGATCAGTTGCAATCATCTTTAATTCGACTTCATCAGCATTTTTAATACCTTCAAAAAC-3'
Protein context (NP_004361.3, residues 1341-1361): VELKMIATDP[Asp1351Asn]DTHAYNVADF